The following is an entry in ClinVar:

NM_007118.4(TRIO):c.8161C>T (p.Pro2721Ser)

Genes: TRIO (trio Rho guanine nucleotide exchange factor; plus strand), LOC126807323 (CDK7 strongly-dependent group 2 enhancer GRCh37_chr5:14497716-14498915; plus strand). Cytogenetic location: 5p15.2.
Variant type: single nucleotide variant.
Coding change: c.8161C>T on transcript NM_007118.4 (MANE Select); coding-DNA position 8161, C replaced by T.
Protein change: p.Pro2721Ser; replaces proline 2721 with serine.
Molecular consequence: missense variant. On other transcripts: non-coding transcript variant (1).
Genome position (GRCh38, 1-based): chr5:14,498,202, C>T. VCF-style: chr5-14498202-C-T. GRCh37 (hg19) VCF-style: chr5-14498311-C-T.
Other names: short protein forms P2721S.
Identifiers: ClinVar variation 3235855 (VCV003235855.1), dbSNP rs770557515, ClinGen allele CA114009019.
Genomic context (GRCh38, chr5:14,498,202, plus strand): 5'-ACCGTTGTTCTTAGATGTCGAGTCTGTGGCCGCCCCAAAGCCTCAATTACCTGGAAGGGC[C>T]CTGAACACAACACCTTGAACAACGATGGTCACTACAGCATCTCCTACAGGTGAGGGAGGC-3'
Protein context (NP_009049.2, residues 2711-2731): RPKASITWKG[Pro2721Ser]EHNTLNNDGH

ClinVar aggregate classification (germline): Uncertain significance (1 of 4 stars; one submission).

Allele frequency attached by ClinVar (database versions not stated): TOPMed below 0.00001.

Submission:

Greenwood Genetic Center Diagnostic Laboratories, Greenwood Genetic Center
Classification: Uncertain significance. Last evaluated: 2024-01-25. Review status: criteria provided, single submitter. Criteria: ACMG Guidelines, 2015. Collection method: clinical testing. Allele origin: germline. Affected: yes.
Comment: PM2, PP2, PP3